The following is an entry in ClinVar:

NM_003482.4(KMT2D):c.6524A>T (p.Asp2175Val)

Gene: KMT2D (lysine methyltransferase 2D; minus strand). Cytogenetic location: 12q13.12.
Variant type: single nucleotide variant.
Coding change: c.6524A>T on transcript NM_003482.4 (MANE Select); coding-DNA position 6524, A replaced by T.
Protein change: p.Asp2175Val; replaces aspartic acid 2175 with valine.
Molecular consequence: missense variant.
Genome position (GRCh38, 1-based): chr12:49,041,246, T>A on the plus strand (A>T on the coding strand, the complement: KMT2D is on the minus strand). VCF-style: chr12-49041246-T-A. GRCh37 (hg19) VCF-style: chr12-49435029-T-A.
Other names: short protein forms D2175V.
Identifiers: ClinVar variation 3574785 (VCV003574785.3).

ClinVar aggregate classification (germline): Uncertain significance. Review status: criteria provided, multiple submitters, no conflicts (2 of 4 stars). 2 submissions from 2 submitters: Uncertain significance (2). Last evaluated 2024-05-13.

Conditions:
Kabuki syndrome. Also called: NIIKAWA-KUROKI SYNDROME; Kabuki make-up syndrome. Identifiers: Orphanet 2322, MedGen C0796004, MONDO:0016512.
Choanal atresia-athelia-hypothyroidism-delayed puberty-short stature syndrome (BCAHH). Also called: BRANCHIAL ARCH ABNORMALITIES, CHOANAL ATRESIA, ATHELIA, HEARING LOSS, AND HYPOTHYROIDISM SYNDROME. Identifiers: Orphanet 589856, MedGen C5680310, MONDO:0035651, OMIM 620186.
Kabuki syndrome 1 (KABUK1). Also called: KMT2D-Related Kabuki Syndrome. Identifiers: Orphanet 2322, MedGen CN030661, MONDO:0007843, OMIM 147920.

Submissions (2):

Fulgent Genetics
Classification: Uncertain significance for Kabuki syndrome 1; Choanal atresia-athelia-hypothyroidism-delayed puberty-short stature syndrome. Last evaluated: 2024-05-13. Review status: criteria provided, single submitter. Criteria: ACMG Guidelines, 2015. Collection method: clinical testing. Allele origin: germline.

Labcorp Genetics (formerly Invitae), Labcorp
Classification: Uncertain significance for Kabuki syndrome. Last evaluated: 2024-03-18. Review status: criteria provided, single submitter. Criteria: Invitae Variant Classification Sherloc (09022015). Collection method: clinical testing. Allele origin: germline.
Comment: This sequence change replaces aspartic acid, which is acidic and polar, with valine, which is neutral and non-polar, at codon 2175 of the KMT2D protein (p.Asp2175Val). This variant is not present in population databases (gnomAD no frequency). This variant has not been reported in the literature in individuals affected with KMT2D-related conditions. Advanced modeling of protein sequence and biophysical properties (such as structural, functional, and spatial information, amino acid conservation, physicochemical variation, residue mobility, and thermodynamic stability) performed at Invitae indicates that this missense variant is not expected to disrupt KMT2D protein function with a negative predictive value of 95%. In summary, the available evidence is currently insufficient to determine the role of this variant in disease. Therefore, it has been classified as a Variant of Uncertain Significance.